The following is an entry in ClinVar:

ClinVar aggregate classification (germline): Uncertain significance (1 of 4 stars; one submission).

Conditions:
Mitochondrial complex III deficiency nuclear type 5. Identifiers: MedGen C3554608, MONDO:0014066, OMIM 615160.

Submission:

Baylor Genetics
Classification: Uncertain significance for Mitochondrial complex III deficiency nuclear type 5. Last evaluated: 2018-04-17. Review status: criteria provided, single submitter. Criteria: ACMG Guidelines, 2015. Collection method: clinical testing. Allele origin: unknown. Affected: yes.
Comment: This variant was determined to be of uncertain significance according to ACMG Guidelines, 2015 [PMID:25741868].

NM_003366.4(UQCRC2):c.661A>T (p.Ile221Phe)

Genes: PDZD9 (PDZ domain containing 9), UQCRC2 (ubiquinol-cytochrome c reductase core protein 2). Cytogenetic location: 16p12.2.
Variant type: single nucleotide variant.
Coding change: c.661A>T on transcript NM_003366.4 (MANE Select); coding-DNA position 661, A replaced by T.
Protein change: p.Ile221Phe; replaces isoleucine 221 with phenylalanine.
Molecular consequence: missense variant.
Genome position (GRCh38, 1-based): chr16:21,968,676, A>T. VCF-style: chr16-21968676-A-T. GRCh37 (hg19) VCF-style: chr16-21979997-A-T.
Other names: short protein forms I221F.
Identifiers: ClinVar variation 1032124 (VCV001032124.1), dbSNP rs1273091315, ClinGen allele CA395251356.